The following is an entry in ClinVar:

ClinVar aggregate classification (germline): Pathogenic (1 of 4 stars; one submission).

Conditions:
Hereditary cancer-predisposing syndrome. Also called: Neoplastic Syndromes, Hereditary; Tumor predisposition; Hereditary neoplastic syndrome; Hereditary Cancer Syndrome. Identifiers: Orphanet 140162, MedGen C0027672, MeSH D009386, MONDO:0015356.
Cardiovascular phenotype. Identifiers: MedGen CN230736.

Submission:

Ambry Genetics
Classification: Pathogenic for Cardiovascular phenotype; Hereditary cancer-predisposing syndrome. Last evaluated: 2023-04-04. Review status: criteria provided, single submitter. Criteria: Ambry Variant Classification Scheme 2023. Collection method: clinical testing. Allele origin: germline.
Comment: The c.8004delG pathogenic mutation, located in coding exon 54 of the NF1 gene, results from a deletion of one nucleotide at nucleotide position 8004, causing a translational frameshift with a predicted alternate stop codon (p.Y2669Tfs*49). This variant is considered to be rare based on population cohorts in the Genome Aggregation Database (gnomAD). This alteration is expected to result in loss of function by premature protein truncation or nonsense-mediated mRNA decay. As such, this alteration is interpreted as a disease-causing mutation.

NM_001042492.3(NF1):c.8067del (p.Tyr2690fs)

Gene: NF1 (neurofibromin 1; plus strand). Cytogenetic location: 17q11.2.
Variant type: Deletion.
Coding change: c.8067del on transcript NM_001042492.3 (MANE Select); coding-DNA position 8067, one base deleted (G; older notation c.8067delG).
Protein change: p.Tyr2690fs; shifts the reading frame from tyrosine 2690.
Molecular consequence: frameshift variant.
Genome position (GRCh38, 1-based): chr17:31,358,576, G deleted. VCF-style (leftmost placement, unchanged base first): chr17-31358575-TG-T. GRCh37 (hg19) VCF-style: chr17-29685593-TG-T.
Other names: c.8004delG (NM_000267.3); c.8004delG, p.Tyr2669Thrfs (NM_000267.4); short protein forms Y2669fs, Y2690fs.
Identifiers: ClinVar variation 3237970 (VCV003237970.1), dbSNP rs2508835380.